The following is an entry in ClinVar:

NM_000395.3(CSF2RB):c.2357C>G (p.Pro786Arg)

Gene: CSF2RB (colony stimulating factor 2 receptor subunit beta; plus strand). Cytogenetic location: 22q12.3.
Variant type: single nucleotide variant.
Coding change: c.2357C>G on transcript NM_000395.3 (MANE Select); coding-DNA position 2357, C replaced by G.
Protein change: p.Pro786Arg; replaces proline 786 with arginine.
Molecular consequence: missense variant.
Genome position (GRCh38, 1-based): chr22:36,938,165, C>G. VCF-style: chr22-36938165-C-G. GRCh37 (hg19) VCF-style: chr22-37334207-C-G.
Other names: short protein forms P786R.
Identifiers: ClinVar variation 1357080 (VCV001357080.8), dbSNP rs951899191, ClinGen allele CA324005340.

ClinVar aggregate classification (germline): Uncertain significance (1 of 4 stars; one submission).

Allele frequency attached by ClinVar (database versions not stated): gnomAD exomes 0.00002.
gnomAD v4.1: 23 of 1,614,022 alleles (0.0014%); highest among the groups gnomAD compares: Non-Finnish European, 0.0019%; no homozygotes.

Submission:

Labcorp Genetics (formerly Invitae), Labcorp
Classification: Uncertain significance. Last evaluated: 2025-05-21. Review status: criteria provided, single submitter. Criteria: Invitae Variant Classification Sherloc (09022015). Collection method: clinical testing. Allele origin: germline.
Comment: This sequence change replaces proline, which is neutral and non-polar, with arginine, which is basic and polar, at codon 786 of the CSF2RB protein (p.Pro786Arg). This variant is present in population databases (no rsID available, gnomAD 0.003%). This variant has not been reported in the literature in individuals affected with CSF2RB-related conditions. ClinVar contains an entry for this variant (Variation ID: 1357080). Invitae Evidence Modeling of protein sequence and biophysical properties (such as structural, functional, and spatial information, amino acid conservation, physicochemical variation, residue mobility, and thermodynamic stability) indicates that this missense variant is expected to disrupt CSF2RB protein function with a positive predictive value of 80%. In summary, the available evidence is currently insufficient to determine the role of this variant in disease. Therefore, it has been classified as a Variant of Uncertain Significance.